The following is an entry in ClinVar:

NM_004360.5(CDH1):c.1228G>C (p.Glu410Gln)

Gene: CDH1 (cadherin 1; plus strand). Cytogenetic location: 16q22.1.
Variant type: single nucleotide variant.
Coding change: c.1228G>C on transcript NM_004360.5 (MANE Select); coding-DNA position 1228, G replaced by C.
Protein change: p.Glu410Gln; replaces glutamic acid 410 with glutamine.
Molecular consequence: missense variant. On other transcripts: 5 prime UTR variant (2), intron variant (1).
Genome position (GRCh38, 1-based): chr16:68,813,403, G>C. VCF-style: chr16-68813403-G-C. GRCh37 (hg19) VCF-style: chr16-68847306-G-C.
Other names: c.1228G>C (LRG_301t1, NM_004360.4); c.-388G>C (NM_001317185.2); c.-592G>C (NM_001317186.2); c.1137+1140G>C (NM_001317184.2); short protein forms E410Q.
Identifiers: ClinVar variation 239876 (VCV000239876.10), dbSNP rs187906987, ClinGen allele CA10583415.

ClinVar aggregate classification (germline): Uncertain significance. Review status: criteria provided, multiple submitters, no conflicts (2 of 4 stars). 2 submissions from 2 submitters: Uncertain significance (2). Last evaluated 2021-12-07.

Conditions:
Familial cancer of breast. Also called: BREAST CANCER, FAMILIAL; Hereditary breast cancer; hereditary breast carcinoma. Identifiers: Orphanet 227535, MedGen C0346153, MONDO:0016419, OMIM 114480. Disease mechanism: loss of function.
Ovarian cancer. Also called: OVARIAN CANCER, SOMATIC. Identifiers: Orphanet 213500, MedGen C1140680, MONDO:0008170, OMIM 167000.
Hereditary diffuse gastric adenocarcinoma (HDGC). Also called: DIFFUSE GASTRIC AND LOBULAR BREAST CANCER SYNDROME. Identifiers: Orphanet 26106, MedGen C1708349, MONDO:0007648, OMIM 137215.

Submissions (2):

Department of Pathology and Laboratory Medicine, Sinai Health System
Classification: Uncertain significance for Familial cancer of breast; Ovarian cancer. Last evaluated: 2021-12-07. Review status: criteria provided, single submitter. Criteria: ACMG Guidelines, 2015. Collection method: clinical testing. Allele origin: germline. Affected: yes.

Labcorp Genetics (formerly Invitae), Labcorp
Classification: Uncertain significance for Hereditary diffuse gastric adenocarcinoma. Last evaluated: 2016-02-06. Review status: criteria provided, single submitter. Criteria: Invitae Variant Classification Sherloc (09022015). Collection method: clinical testing. Allele origin: germline.
Comment: This sequence change replaces glutamic acid with glutamine at codon 410 of the CDH1 protein (p.Glu410Gln). The glutamic acid residue is weakly conserved and there is a small physicochemical difference between glutamic acid and glutamine. This variant is not present in population databases (ExAC no frequency) and has not been reported in the literature in individuals with a CDH1-related disease. Algorithms developed to predict the effect of missense changes on protein structure and function (SIFT, PolyPhen-2, Align-GVGD) all suggest that this variant is likely to be tolerated, but these predictions have not been confirmed by published functional studies. In addition, the glutamine amino acid residue is found in multiple mammalian species, suggesting that this missense change does not adversely affect protein function. In summary, this is a novel missense change that is not predicted to affect protein function or cause disease. However, the evidence is insufficient at this time to prove that conclusively. It has been classified as a Variant of Uncertain Significance.